The following is an entry in ClinVar:

NM_012401.4(PLXNB2):c.2394C>T (p.Ser798=)

Gene: PLXNB2 (plexin B2; minus strand). Cytogenetic location: 22q13.33.
Variant type: single nucleotide variant.
Coding change: c.2394C>T on transcript NM_012401.4 (MANE Select); coding-DNA position 2394, C replaced by T.
Protein change: p.Ser798=; no amino-acid change (serine 798 retained).
Molecular consequence: synonymous variant.
Genome position (GRCh38, 1-based): chr22:50,283,860, G>A on the plus strand (C>T on the coding strand, the complement: PLXNB2 is on the minus strand). VCF-style: chr22-50283860-G-A. GRCh37 (hg19) VCF-style: chr22-50722289-G-A.
Other names: c.2394C>T, p.Ser798= (NM_001376864.1, NM_001376866.1, NM_001376867.1 and 18 more transcripts); c.2463C>T, p.Ser821= (NM_001376865.1); c.2301C>T, p.Ser767= (NM_001376886.1).
Identifiers: ClinVar variation 4873278 (VCV004873278.2).

ClinVar aggregate classification (germline): Likely benign (1 of 4 stars; one submission).

gnomAD v4.1: 108 of 1,608,660 alleles (0.0067%); highest among the groups gnomAD compares: Middle Eastern, 0.017%; no homozygotes.

Submission:

CeGaT Center for Human Genetics Tuebingen
Classification: Likely benign. Last evaluated: 2026-05-01. Review status: criteria provided, single submitter. Criteria: CeGaT Center For Human Genetics Tuebingen Variant Classification Criteria Version 2. Collection method: clinical testing. Allele origin: germline. Affected: yes. Observed: 1 variant allele.
Comment: PLXNB2: BP4, BP7